The following is an entry in ClinVar:

NM_015046.7(SETX):c.6655-8C>T

Gene: SETX (senataxin; minus strand). Cytogenetic location: 9q34.13.
Variant type: single nucleotide variant.
Coding change: c.6655-8C>T on transcript NM_015046.7 (MANE Select); 8 bases into the intron before coding-DNA position 6655, C replaced by T.
Molecular consequence: intron variant.
Genome position (GRCh38, 1-based): chr9:132,278,265, G>A on the plus strand (C>T on the coding strand, the complement: SETX is on the minus strand). VCF-style: chr9-132278265-G-A. GRCh37 (hg19) VCF-style: chr9-135153652-G-A.
Other names: c.6655-8C>T (NM_001351528.2, NM_001351527.2).
Identifiers: ClinVar variation 3357885 (VCV003357885.15).

ClinVar aggregate classification (germline): Uncertain significance. Review status: criteria provided, single submitter (1 of 4 stars). 2 submissions from 2 submitters: Uncertain significance (1). 1 of the submissions does not count toward it. Last evaluated 2026-01-01.

Conditions:
SETX-related disorder. Also called: SETX-related condition; SETX-related disorders. Identifiers: MedGen CN239403.

gnomAD v4.1: 23 of 1,613,628 alleles (0.0014%); highest among the groups gnomAD compares: Non-Finnish European, 0.0017%; no homozygotes.

Submissions (2):

CeGaT Center for Human Genetics Tuebingen
Classification: Uncertain significance. Last evaluated: 2026-01-01. Review status: criteria provided, single submitter. Criteria: CeGaT Center For Human Genetics Tuebingen Variant Classification Criteria Version 2. Collection method: clinical testing. Allele origin: germline. Affected: yes. Observed: 2 variant alleles.
Comment: SETX: PM2, BP4

PreventionGenetics, part of Exact Sciences
Classification: Likely benign for SETX-related condition. Last evaluated: 2024-08-05. Review status: no assertion criteria provided. Collection method: clinical testing. Allele origin: germline. Not counted in ClinVar's aggregate classification.
Comment: This variant is classified as likely benign based on ACMG/AMP sequence variant interpretation guidelines (Richards et al. 2015 PMID: 25741868, with internal and published modifications).